The following is an entry in ClinVar:

ClinVar aggregate classification (germline): Likely benign. Review status: criteria provided, multiple submitters, no conflicts (2 of 4 stars). 3 submissions from 3 submitters: Likely benign (2). 1 of the submissions does not count toward it. Last evaluated 2025-11-13.

Conditions:
PREPL-related disorder. Also called: PREPL-related condition.
Myasthenic syndrome, congenital, 22 (CMS22). Also called: PREPL DEFICIENCY. Identifiers: MedGen C4479088, MONDO:0044299, OMIM 616224.

Allele frequency attached by ClinVar (database versions not stated): gnomAD exomes 0.00004 and 0.00006; TOPMed 0.00005; gnomAD 0.00006; ExAC 0.00008; ESP Exome Variant Server 0.00008.
gnomAD v4.1: 89 of 1,614,008 alleles (0.0055%); highest among the groups gnomAD compares: Non-Finnish European, 0.0075%; no homozygotes.

Submissions (3):

Labcorp Genetics (formerly Invitae), Labcorp
Classification: Likely benign for Myasthenic syndrome, congenital, 22. Last evaluated: 2025-11-13. Review status: criteria provided, single submitter. Criteria: Invitae Variant Classification Sherloc (09022015). Collection method: clinical testing. Allele origin: germline.

CeGaT Center for Human Genetics Tuebingen
Classification: Likely benign. Last evaluated: 2023-09-01. Review status: criteria provided, single submitter. Criteria: CeGaT Center For Human Genetics Tuebingen Variant Classification Criteria Version 2. Collection method: clinical testing. Allele origin: germline. Affected: yes. Observed: 1 variant allele.
Comment: PREPL: BP4, BP7

PreventionGenetics, part of Exact Sciences
Classification: Likely benign for PREPL-related condition. Last evaluated: 2019-06-26. Review status: no assertion criteria provided. Collection method: clinical testing. Allele origin: germline. Not counted in ClinVar's aggregate classification.
Comment: This variant is classified as likely benign based on ACMG/AMP sequence variant interpretation guidelines (Richards et al. 2015 PMID: 25741868, with internal and published modifications).

NM_001171613.2(PREPL):c.1455G>A (p.Glu485=)

Gene: PREPL (prolyl endopeptidase like; minus strand). Cytogenetic location: 2p21.
Variant type: single nucleotide variant.
Coding change: c.1455G>A on transcript NM_001171613.2 (MANE Select); coding-DNA position 1455, G replaced by A.
Protein change: p.Glu485=; no amino-acid change (glutamic acid 485 retained).
Molecular consequence: synonymous variant.
Genome position (GRCh38, 1-based): chr2:44,326,736, C>T on the plus strand (G>A on the coding strand, the complement: PREPL is on the minus strand). VCF-style: chr2-44326736-C-T. GRCh37 (hg19) VCF-style: chr2-44553875-C-T.
Other names: c.1536G>A, p.Glu512= (NM_001042385.2); c.1524G>A, p.Glu508= (NM_001042386.2); c.1722G>A, p.Glu574= (NM_001171603.1, NM_001171606.2, NM_001374275.1 and 2 more transcripts); c.1455G>A, p.Glu485= (NM_001171617.1, NM_001374277.1).
Identifiers: ClinVar variation 1590348 (VCV001590348.33), dbSNP rs376716463, ClinGen allele CA1641112.